The following is an entry in ClinVar:

ClinVar aggregate classification (germline): other (0 of 4 stars; one submission).

Conditions:
Familial colorectal cancer. Identifiers: MedGen CN280943, MONDO:0023113. Disease mechanism: loss of function.

Allele frequency attached by ClinVar (database versions not stated): gnomAD 0.64929 and 0.65632; TOPMed 0.67253; 1000 Genomes Project 30x 0.73407; 1000 Genomes Project 0.73722.
gnomAD v4.1: 99,745 of 152,002 alleles (66%); highest among the groups gnomAD compares: East Asian, 90%; 33,126 homozygotes.

Submission:

Systems Biology Platform Zhejiang California International NanoSystems Institute
Classification: other for Familial colorectal cancer. Review status: no assertion criteria provided. Collection method: not provided. Allele origin: unknown.
ClinVar note: Converted during submission from cancer to other.

NM_000038.6(APC):c.1312+463C>G

Gene: APC (APC regulator of WNT signaling pathway; plus strand). Cytogenetic location: 5q22.2.
Variant type: single nucleotide variant.
Coding change: c.1312+463C>G on transcript NM_000038.6 (MANE Select); 463 bases into the intron after coding-DNA position 1312, C replaced by G.
Molecular consequence: intron variant.
Genome position (GRCh38, 1-based): chr5:112,819,807, C>G. VCF-style: chr5-112819807-C-G. GRCh37 (hg19) VCF-style: chr5-112155504-C-G.
Other names: c.1312+463C>G (NM_001354895.2, NM_001127510.3, NM_001354896.2); c.1342+463C>G (NM_001354897.2); c.1039+463C>G (NM_001354902.2); c.1258+463C>G (NM_001127511.3); c.1237+463C>G (NM_001354898.2); c.934+463C>G (NM_001354904.2); c.463+463C>G (NM_001354906.2); c.1009+463C>G (NM_001354903.2); and 3 more.
Identifiers: ClinVar variation 83127 (VCV000083127.2), dbSNP rs2545163, ClinGen allele CA004211.